The following is an entry in ClinVar:

ClinVar aggregate classification (germline): Uncertain significance (1 of 4 stars; one submission).

Conditions:
SLC7A7-related disorder. Also called: SLC7A7-related condition.

gnomAD v4.1: 1 of 1,612,650 alleles (0.000062%); highest among the groups gnomAD compares: Non-Finnish European, 0.000085%; no homozygotes.

Submission:

PreventionGenetics, part of Exact Sciences
Classification: Uncertain significance for SLC7A7-related condition. Last evaluated: 2024-11-13. Review status: criteria provided, single submitter. Criteria: ACMG Guidelines, 2015. Collection method: clinical testing. Allele origin: germline.
Comment: The SLC7A7 c.17A>C variant is predicted to result in the amino acid substitution p.Glu6Ala. To our knowledge, this variant has not been reported in the literature or in a large population database (gnomAD), indicating this variant is rare. At this time, the clinical significance of this variant is uncertain due to the absence of conclusive functional and genetic evidence.

NM_003982.4(SLC7A7):c.17A>C (p.Glu6Ala)

Genes: SLC7A7 (solute carrier family 7 member 7; minus strand), LOC130055324 (ATAC-STARR-seq lymphoblastoid silent region 5590; plus strand). Cytogenetic location: 14q11.2.
Variant type: single nucleotide variant.
Coding change: c.17A>C on transcript NM_003982.4 (MANE Select); coding-DNA position 17, A replaced by C.
Protein change: p.Glu6Ala; replaces glutamic acid 6 with alanine.
Molecular consequence: missense variant.
Genome position (GRCh38, 1-based): chr14:22,813,382, T>G on the plus strand (A>C on the coding strand, the complement: SLC7A7 is on the minus strand). VCF-style: chr14-22813382-T-G. GRCh37 (hg19) VCF-style: chr14-23282591-T-G.
Other names: c.17A>C, p.Glu6Ala (NM_001126105.3, NM_001126106.4); short protein forms E6A.
Identifiers: ClinVar variation 5000203 (VCV005000203.1).